The following is an entry in ClinVar:

NM_001126108.2(SLC12A3):c.1096-2A>G

Gene: SLC12A3 (solute carrier family 12 member 3; plus strand). Cytogenetic location: 16q13.
Variant type: single nucleotide variant.
Coding change: c.1096-2A>G on transcript NM_001126108.2 (MANE Select); the canonical splice acceptor site of the intron before coding-DNA position 1096, A replaced by G.
Molecular consequence: splice acceptor variant.
Genome position (GRCh38, 1-based): chr16:56,878,075, A>G. VCF-style: chr16-56878075-A-G. GRCh37 (hg19) VCF-style: chr16-56911987-A-G.
Other names: c.1096-2A>G (NM_000339.3); c.1093-2A>G (NM_001126107.2, NM_001410896.1).
Identifiers: ClinVar variation 955659 (VCV000955659.10), dbSNP rs2055189357, ClinGen allele CA395984651.
Genomic context (GRCh38, chr16:56,878,075, plus strand): 5'-CCTCCGTCCCTCCCTCCCTCTCTCCCTCCCTCCCTCCCTCCCTCTCTCCCTCCCTCCTTC[A>G]GGACCCTGCTATAGCCATCCCCAAGGGGACCCTCATGGCCATTTTCTGGACGACCATTTC-3'

ClinVar aggregate classification (germline): Pathogenic/Likely pathogenic. Review status: criteria provided, multiple submitters, no conflicts (2 of 4 stars). 2 submissions from 2 submitters: Pathogenic (1); Likely pathogenic (1). Last evaluated 2024-04-25.

Conditions:
Familial hypokalemia-hypomagnesemia (GTLMNS). Also called: POTASSIUM AND MAGNESIUM DEPLETION; HYPOMAGNESEMIA-HYPOKALEMIA, PRIMARY RENOTUBULAR, WITH HYPOCALCIURIA; gitelman syndrome. Identifiers: Orphanet 358, MedGen C0268450, MONDO:0009904, OMIM 263800.

Allele frequency attached by ClinVar (database versions not stated): gnomAD exomes below 0.00001.
gnomAD v4.1: 1 of 1,073,460 alleles (0.000093%); highest among the groups gnomAD compares: Non-Finnish European, 0.00012%; no homozygotes.

Submissions (2):

Natera, Inc.
Classification: Pathogenic for Gitelman syndrome. Last evaluated: 2024-04-25. Review status: criteria provided, single submitter. Criteria: Natera Variant Classification Schema (03/2026). Collection method: clinical testing. Allele origin: germline.
Comment: The c.1096-2A>G variant in SLC12A3 is a canonical splice acceptor site variant predicted to affect pre-mRNA splicing, which may result in an abnormal transcript and altered protein product. This variant is expected to result in nonsense mediated decay, truncation, or a dysfunctional protein product. This variant is rare in the general population with a frequency below the threshold expected for the associated phenotype(s). This variant has been observed in one or more individuals affected with the associated recessive disease, as either homozygous or compound heterozygous with a second variant (PMID: 34389731). Functional studies show that this variant may disrupt protein function (PMID: 37197138). Another variant at this same site results in an alteration predicted to cause a similar molecular effect has been observed in individual(s) with the associated phenotype. Given the available evidence, this variant is classified as Pathogenic.

Labcorp Genetics (formerly Invitae), Labcorp
Classification: Likely pathogenic. Last evaluated: 2023-08-16. Review status: criteria provided, single submitter. Criteria: Invitae Variant Classification Sherloc (09022015). Collection method: clinical testing. Allele origin: germline.
Comment: ClinVar contains an entry for this variant (Variation ID: 955659). This sequence change affects an acceptor splice site in intron 8 of the SLC12A3 gene. It is expected to disrupt RNA splicing. Variants that disrupt the donor or acceptor splice site typically lead to a loss of protein function (PMID: 16199547), and loss-of-function variants in SLC12A3 are known to be pathogenic (PMID: 20848653, 22009145, 25841442). This variant is not present in population databases (gnomAD no frequency). This variant has not been reported in the literature in individuals affected with SLC12A3-related conditions. Algorithms developed to predict the effect of sequence changes on RNA splicing suggest that this variant may disrupt the consensus splice site. In summary, the currently available evidence indicates that the variant is pathogenic, but additional data are needed to prove that conclusively. Therefore, this variant has been classified as Likely Pathogenic.

Literature cited by the submitters: PubMed 34389731 (cited by Natera, Inc.); PubMed 37197138 (cited by Natera, Inc.); PubMed 16199547 (cited by Labcorp Genetics (formerly Invitae), Labcorp); PubMed 20848653 (cited by Labcorp Genetics (formerly Invitae), Labcorp); PubMed 22009145 (cited by Labcorp Genetics (formerly Invitae), Labcorp); PubMed 25841442 (cited by Labcorp Genetics (formerly Invitae), Labcorp).